The following is an entry in ClinVar:

NM_134261.3(RORA):c.569_574delinsTC (p.Ala190fs)

Genes: RORA (RAR related orphan receptor A; minus strand), RORA-AS1 (RORA antisense RNA 1; plus strand). Cytogenetic location: 15q22.2.
Variant type: Indel.
Coding change: c.569_574delinsTC on transcript NM_134261.3 (MANE Select); coding-DNA positions 569 to 574, CCAACG replaced by TC.
Protein change: p.Ala190fs; shifts the reading frame from alanine 190.
Molecular consequence: frameshift variant.
Genome position (GRCh38, 1-based): chr15:60,511,472-60,511,477, CGTTGG replaced by GA on the plus strand (CCAACG replaced by TC on the coding strand, the reverse complement: RORA is on the minus strand). VCF-style: chr15-60511472-CGTTGG-GA. GRCh37 (hg19) VCF-style: chr15-60803671-CGTTGG-GA.
Other names: c.644_649delinsTC, p.Ala215fs (NM_002943.4); c.668_673delinsTC, p.Ala223fs (NM_134260.3); c.404_409delinsTC, p.Ala135fs (NM_134262.3); short protein forms A135fs, A190fs, A215fs, A223fs.
Identifiers: ClinVar variation 3774984 (VCV003774984.2).

ClinVar aggregate classification (germline): Pathogenic (1 of 4 stars; one submission).

Submission:

GeneDx
Classification: Pathogenic. Last evaluated: 2025-07-02. Review status: criteria provided, single submitter. Criteria: GeneDx Variant Classification Process June 2021. Collection method: clinical testing. Allele origin: germline.
Comment: Frameshift variant predicted to result in protein truncation or nonsense mediated decay in a gene for which loss of function is a known mechanism of disease; Not observed at significant frequency in large population cohorts (gnomAD); Has not been previously published as pathogenic or benign to our knowledge